The following is an entry in ClinVar:

ClinVar aggregate classification (germline): Uncertain significance (0 of 4 stars; one submission).

Conditions:
TRIO-related disorder. Also called: TRIO-related condition; TRIO-related disorders.

Submission:

PreventionGenetics, part of Exact Sciences
Classification: Uncertain significance for TRIO-related condition. Last evaluated: 2024-07-25. Review status: no assertion criteria provided. Collection method: clinical testing. Allele origin: germline.
Comment: The TRIO c.5795T>A variant is predicted to result in the amino acid substitution p.Val1932Asp. To our knowledge, this variant has not been reported in the literature or in a large population database, indicating this variant is rare. At this time, the clinical significance of this variant is uncertain due to the absence of conclusive functional and genetic evidence.

NM_007118.4(TRIO):c.5795T>A (p.Val1932Asp)

Gene: TRIO (trio Rho guanine nucleotide exchange factor; plus strand). Cytogenetic location: 5p15.2.
Variant type: single nucleotide variant.
Coding change: c.5795T>A on transcript NM_007118.4 (MANE Select); coding-DNA position 5795, T replaced by A.
Protein change: p.Val1932Asp; replaces valine 1932 with aspartic acid.
Molecular consequence: missense variant. On other transcripts: non-coding transcript variant (1).
Genome position (GRCh38, 1-based): chr5:14,471,349, T>A. VCF-style: chr5-14471349-T-A. GRCh37 (hg19) VCF-style: chr5-14471458-T-A.
Other names: short protein forms V1932D.
Identifiers: ClinVar variation 3355288 (VCV003355288.1).